The following is an entry in ClinVar:

ClinVar aggregate classification (germline): Uncertain significance (1 of 4 stars; one submission).

Allele frequency attached by ClinVar (database versions not stated): gnomAD exomes below 0.00001.
gnomAD v4.1: 1 of 1,614,102 alleles (0.000062%); highest among the groups gnomAD compares: African/African-American, 0.0013%; no homozygotes.

Submission:

Labcorp Genetics (formerly Invitae), Labcorp
Classification: Uncertain significance. Last evaluated: 2024-02-24. Review status: criteria provided, single submitter. Criteria: Invitae Variant Classification Sherloc (09022015). Collection method: clinical testing. Allele origin: germline.
Comment: This sequence change replaces threonine, which is neutral and polar, with alanine, which is neutral and non-polar, at codon 177 of the ATPAF2 protein (p.Thr177Ala). This variant is not present in population databases (gnomAD no frequency). This variant has not been reported in the literature in individuals affected with ATPAF2-related conditions. ClinVar contains an entry for this variant (Variation ID: 1932784). Advanced modeling of protein sequence and biophysical properties (such as structural, functional, and spatial information, amino acid conservation, physicochemical variation, residue mobility, and thermodynamic stability) performed at Invitae indicates that this missense variant is not expected to disrupt ATPAF2 protein function with a negative predictive value of 80%. In summary, the available evidence is currently insufficient to determine the role of this variant in disease. Therefore, it has been classified as a Variant of Uncertain Significance.

NM_145691.4(ATPAF2):c.529A>G (p.Thr177Ala)

Gene: ATPAF2 (ATP synthase mitochondrial F1 complex assembly factor 2; minus strand). Cytogenetic location: 17p11.2.
Variant type: single nucleotide variant.
Coding change: c.529A>G on transcript NM_145691.4 (MANE Select); coding-DNA position 529, A replaced by G.
Protein change: p.Thr177Ala; replaces threonine 177 with alanine.
Molecular consequence: missense variant.
Genome position (GRCh38, 1-based): chr17:18,021,832, T>C on the plus strand (A>G on the coding strand, the complement: ATPAF2 is on the minus strand). VCF-style: chr17-18021832-T-C. GRCh37 (hg19) VCF-style: chr17-17925146-T-C.
Other names: short protein forms T177A.
Identifiers: ClinVar variation 1932784 (VCV001932784.5), dbSNP rs1597666673, ClinGen allele CA398575558.